The following is an entry in ClinVar:

ClinVar aggregate classification (germline): Uncertain significance (1 of 4 stars; one submission).

Conditions:
SHORT syndrome. Also called: LIPODYSTROPHY, PARTIAL, WITH RIEGER ANOMALY AND SHORT STATURE; PIK3R1-Related SHORT Syndrome; SHORT STATURE, HYPEREXTENSIBILITY, HERNIA, OCULAR DEPRESSION, RIEGER ANOMALY, AND TEETHING DELAY. Identifiers: Orphanet 3163, MedGen C0878684, MONDO:0010026, OMIM 269880.
Agammaglobulinemia 7, autosomal recessive (AGM7). Also called: AGAMMAGLOBULINEMIA, AUTOSOMAL RECESSIVE, DUE TO PIK3R1 DEFECT. Identifiers: MedGen C3554689, MONDO:0014083, OMIM 615214.
Immunodeficiency 36 with lymphoproliferation. Also called: Immunodeficiency 36; ACTIVATED PI3K-DELTA SYNDROME 2; Activated PI3K Delta Syndrome Type 2 (APDS2). Identifiers: Orphanet 397596, Orphanet 693681, MedGen C4014934, MONDO:0014453, OMIM 616005.

Submission:

Labcorp Genetics (formerly Invitae), Labcorp
Classification: Uncertain significance for SHORT syndrome; Immunodeficiency 36 with lymphoproliferation; Agammaglobulinemia 7, autosomal recessive. Last evaluated: 2024-01-14. Review status: criteria provided, single submitter. Criteria: Invitae Variant Classification Sherloc (09022015). Collection method: clinical testing. Allele origin: germline.
Comment: This sequence change replaces proline, which is neutral and non-polar, with arginine, which is basic and polar, at codon 92 of the PIK3R1 protein (p.Pro92Arg). This variant is present in population databases (rs777106897, gnomAD 0.0009%). This variant has not been reported in the literature in individuals affected with PIK3R1-related conditions. An algorithm developed to predict the effect of missense changes on protein structure and function (PolyPhen-2) suggests that this variant is likely to be tolerated. In summary, the available evidence is currently insufficient to determine the role of this variant in disease. Therefore, it has been classified as a Variant of Uncertain Significance.

NM_181523.3(PIK3R1):c.275C>G (p.Pro92Arg)

Gene: PIK3R1 (phosphoinositide-3-kinase regulatory subunit 1; plus strand). Cytogenetic location: 5q13.1.
Variant type: single nucleotide variant.
Coding change: c.275C>G on transcript NM_181523.3 (MANE Select); coding-DNA position 275, C replaced by G.
Protein change: p.Pro92Arg; replaces proline 92 with arginine.
Molecular consequence: missense variant.
Genome position (GRCh38, 1-based): chr5:68,226,950, C>G. VCF-style: chr5-68226950-C-G. GRCh37 (hg19) VCF-style: chr5-67522778-C-G.
Other names: short protein forms P92R.
Identifiers: ClinVar variation 2940039 (VCV002940039.3), dbSNP rs777106897, ClinGen allele CA3289959.